The following is an entry in ClinVar:

NM_002473.6(MYH9):c.4186G>A (p.Gly1396Ser)

Gene: MYH9 (myosin heavy chain 9; minus strand). Cytogenetic location: 22q12.3.
Variant type: single nucleotide variant.
Coding change: c.4186G>A on transcript NM_002473.6 (MANE Select); coding-DNA position 4186, G replaced by A.
Protein change: p.Gly1396Ser; replaces glycine 1396 with serine.
Molecular consequence: missense variant.
Genome position (GRCh38, 1-based): chr22:36,292,144, C>T on the plus strand (G>A on the coding strand, the complement: MYH9 is on the minus strand). VCF-style: chr22-36292144-C-T. GRCh37 (hg19) VCF-style: chr22-36688190-C-T.
Other names: short protein forms G1396S.
Identifiers: ClinVar variation 4998296 (VCV004998296.1).
Genomic context (GRCh38, chr22:36,292,144, plus strand): 5'-TCTTGGTCTTCTCCAGCTTGTCGTAGGCGGCCACCTTCTCCTCGTGCCGCTGGCTCAGGC[C>T]CTCCAGGTCCTTCTGGAGCTTCCTCTTCACCTCCTCAGCAGTTTCCAGGCACCCCACACT-3'
Protein context (NP_002464.1, residues 1386-1406): VKRKLQKDLE[Gly1396Ser]LSQRHEEKVA

ClinVar aggregate classification (germline): Uncertain significance (1 of 4 stars; one submission).

Conditions:
MYH9-related disorder. Identifiers: MedGen C1854520.

gnomAD v4.1: 1 of 1,614,212 alleles (0.000062%); highest among the groups gnomAD compares: Non-Finnish European, 0.000085%; no homozygotes.

Submission:

PreventionGenetics, part of Exact Sciences
Classification: Uncertain significance for MYH9-related condition. Last evaluated: 2025-03-26. Review status: criteria provided, single submitter. Criteria: ACMG Guidelines, 2015. Collection method: clinical testing. Allele origin: germline.
Comment: The MYH9 c.4186G>A variant is predicted to result in the amino acid substitution p.Gly1396Ser. To our knowledge, this variant has not been reported in the literature or in a large population database (gnomAD), indicating this variant is rare. At this time, the clinical significance of this variant is uncertain due to the absence of conclusive functional and genetic evidence.